The following is an entry in ClinVar:

ClinVar aggregate classification (germline): Pathogenic (1 of 4 stars; one submission).

Conditions:
Kabuki syndrome. Also called: Kabuki make-up syndrome; NIIKAWA-KUROKI SYNDROME. Identifiers: Orphanet 2322, MedGen C0796004, MONDO:0016512.

Submission:

Labcorp Genetics (formerly Invitae), Labcorp
Classification: Pathogenic for Kabuki syndrome. Last evaluated: 2021-06-19. Review status: criteria provided, single submitter. Criteria: Invitae Variant Classification Sherloc (09022015). Collection method: clinical testing. Allele origin: germline.
Comment: For these reasons, this variant has been classified as Pathogenic. Loss-of-function variants in KMT2D are known to be pathogenic (PMID: 22126750). This variant has not been reported in the literature in individuals with KMT2D-related disease. This variant is not present in population databases (ExAC no frequency). This sequence change creates a premature translational stop signal (p.Gly1467Alafs*39) in the KMT2D gene. It is expected to result in an absent or disrupted protein product.

Literature cited by the submitters: PubMed 22126750.

NM_003482.4(KMT2D):c.4400del (p.Gly1467fs)

Gene: KMT2D (lysine methyltransferase 2D; minus strand). Cytogenetic location: 12q13.12.
Variant type: Deletion.
Coding change: c.4400del on transcript NM_003482.4 (MANE Select); coding-DNA position 4400, one base deleted (G; older notation c.4400delG).
Protein change: p.Gly1467fs; shifts the reading frame from glycine 1467.
Molecular consequence: frameshift variant.
Genome position (GRCh38, 1-based): chr12:49,046,627, C deleted on the plus strand (G on the coding strand, the reverse complement: KMT2D is on the minus strand); the first of 3 consecutive C bases (chr12:49,046,627-49,046,629); deleting any one gives the same sequence. VCF-style (leftmost placement, unchanged base first): chr12-49046626-GC-G. GRCh37 (hg19) VCF-style: chr12-49440409-GC-G.
Other names: c.4400delG (NM_003482.3); short protein forms G1467fs.
Identifiers: ClinVar variation 649906 (VCV000649906.6), dbSNP rs1592146526, ClinGen allele CA915948406.
Genomic context (GRCh38, chr12:49,046,626, plus strand): 5'-TCTCAAGGCCCCAGGGCTCCACTGAAGATCCCAGTCTCCTTACCACTTGCACTTCCAGCC[GC>G]CCTTGGGGACGGTGAGCAGTGGGGGGTCCAGGCAGTATGTGTGGTAGCTAATATCACAGT-3'